The following is an entry in ClinVar:

NM_001267550.2(TTN):c.12851A>C (p.Gln4284Pro)

Gene: TTN (titin; minus strand). Cytogenetic location: 2q31.2.
Variant type: single nucleotide variant.
Coding change: c.12851A>C on transcript NM_001267550.2 (MANE Select); coding-DNA position 12851, A replaced by C.
Protein change: p.Gln4284Pro; replaces glutamine 4284 with proline.
Molecular consequence: missense variant. On other transcripts: intron variant (1).
Genome position (GRCh38, 1-based): chr2:178,740,382, T>G on the plus strand (A>C on the coding strand, the complement: TTN is on the minus strand). VCF-style: chr2-178740382-T-G. GRCh37 (hg19) VCF-style: chr2-179605109-T-G.
Other names: c.12137A>C, p.Gln4046Pro (NM_133432.3); c.11900A>C, p.Gln3967Pro (NM_001256850.1); c.11762A>C, p.Gln3921Pro (NM_003319.4); c.12338A>C, p.Gln4113Pro (NM_133437.4); c.10361-2022A>C (NM_133378.4); short protein forms Q4046P, Q4284P, Q4113P, Q3921P, Q3967P.
Identifiers: ClinVar variation 229592 (VCV000229592.6), dbSNP rs876658107, ClinGen allele CA10576560.

ClinVar aggregate classification (germline): Uncertain significance (1 of 4 stars; one submission).

Allele frequency attached by ClinVar (database versions not stated): gnomAD exomes below 0.00001.
gnomAD v4.1: 1 of 1,613,464 alleles (0.000062%); highest among the groups gnomAD compares: Middle Eastern, 0.017%; no homozygotes.

Submission:

Laboratory for Molecular Medicine, Mass General Brigham Personalized Medicine
Classification: Uncertain significance. Last evaluated: 2023-05-12. Review status: criteria provided, single submitter. Criteria: ACMG Guidelines, 2015. Collection method: clinical testing. Allele origin: germline.
Comment: The p.Gln4046Pro variant in TTN has not been previously reported in individuals with cardiomyopathy not in large population studies. Computational prediction tools and conservation analyses suggest that this variant may not impact the protein, though this information is not predictive enough to rule out pathogenicity. In summary, the clinical significance of this variant is uncertain. ACMG/AMP Criteria applied: PM2_Supporting, PP3.